The following is an entry in ClinVar:

NM_024598.4(USB1):c.504-3del

Gene: USB1 (U6 snRNA biogenesis phosphodiesterase 1; plus strand). Cytogenetic location: 16q21.
Variant type: Deletion.
Coding change: c.504-3del on transcript NM_024598.4 (MANE Select); 3 bases into the intron before coding-DNA position 504, one base deleted (C; older notation c.504-3delC).
Molecular consequence: intron variant.
Genome position (GRCh38, 1-based): chr16:58,017,331, C deleted; the last of 4 consecutive C bases (chr16:58,017,328-58,017,331); deleting any one gives the same sequence. VCF-style (leftmost placement, unchanged base first): chr16-58017327-TC-T. GRCh37 (hg19) VCF-style: chr16-58051231-TC-T.
Other names: c.351-3del (NM_001330568.2); c.450-3del (NM_001195302.2).
Identifiers: ClinVar variation 3061629 (VCV003061629.2), dbSNP rs772230264, ClinGen allele CA8084965.

ClinVar aggregate classification (germline): Likely benign (0 of 4 stars; one submission).

Conditions:
USB1-related disorder. Also called: USB1-related condition.

Submission:

PreventionGenetics, part of Exact Sciences
Classification: Likely benign for USB1-related condition. Last evaluated: 2021-10-13. Review status: no assertion criteria provided. Collection method: clinical testing. Allele origin: germline.
Comment: This variant is classified as likely benign based on ACMG/AMP sequence variant interpretation guidelines (Richards et al. 2015 PMID: 25741868, with internal and published modifications).